The following is an entry in ClinVar:

NM_001365951.3(KIF1B):c.*1133C>T

Gene: KIF1B (kinesin family member 1B; plus strand). Cytogenetic location: 1p36.22.
Variant type: single nucleotide variant.
Coding change: c.*1133C>T on transcript NM_001365951.3 (MANE Select); 1133 bases downstream of the stop codon, C replaced by T.
Molecular consequence: 3 prime UTR variant.
Genome position (GRCh38, 1-based): chr1:10,377,720, C>T. VCF-style: chr1-10377720-C-T. GRCh37 (hg19) VCF-style: chr1-10437778-C-T.
Other names: c.*1133C>T (NM_001365952.1, NM_015074.3).
Identifiers: ClinVar variation 291606 (VCV000291606.6), dbSNP rs4240912, ClinGen allele CA10607346.

ClinVar aggregate classification (germline): Benign. Review status: criteria provided, multiple submitters, no conflicts (2 of 4 stars). 2 submissions from 2 submitters: Benign (2). Last evaluated 2018-01-13.

Conditions:
Neuroblastoma (NB). Identifiers: Orphanet 635, MedGen C0027819, MeSH D009447, MONDO:0005072, HP:0003006.

Allele frequency attached by ClinVar (database versions not stated): 1000 Genomes Project 0.09365; gnomAD 0.10064 and 0.09823; gnomAD exomes 0.10940; 1000 Genomes Project 30x 0.09213; TOPMed 0.09599.
gnomAD v4.1: 19,155 of 186,668 alleles (10%); highest among the groups gnomAD compares: South Asian, 18%; 1,188 homozygotes.

Submissions (2):

Illumina Laboratory Services, Illumina
Classification: Benign for Neuroblastoma. Last evaluated: 2018-01-13. Review status: criteria provided, single submitter. Criteria: ICSL Variant Classification Criteria 13 December 2019. Collection method: clinical testing. Allele origin: germline.
Comment: This variant was observed in the ICSL laboratory as part of a predisposition screen in an ostensibly healthy population. It had not been previously curated by ICSL or reported in the Human Gene Mutation Database (HGMD: prior to June 1st, 2018), and was therefore a candidate for classification through an automated scoring system. Utilizing variant allele frequency, disease prevalence and penetrance estimates, and inheritance mode, an automated score was calculated to assess if this variant is too frequent to cause the disease. Based on the score and internal cut-off values, a variant classified as benign is not then subjected to further curation. The score for this variant resulted in a classification of benign for this disease.

Breakthrough Genomics
Classification: Benign. Review status: criteria provided, single submitter. Criteria: ACMG Guidelines, 2015. Collection method: not provided. Allele origin: germline. Inheritance: Autosomal dominant inheritance. Affected: yes.